The following is an entry in ClinVar:

NM_198252.3(GSN):c.2082C>T (p.Thr694=)

Gene: GSN (gelsolin; plus strand). Cytogenetic location: 9q33.2.
Variant type: single nucleotide variant.
Coding change: c.2082C>T on transcript NM_198252.3 (MANE Select); coding-DNA position 2082, C replaced by T.
Protein change: p.Thr694=; no amino-acid change (threonine 694 retained).
Molecular consequence: synonymous variant.
Genome position (GRCh38, 1-based): chr9:121,332,489, C>T. VCF-style: chr9-121332489-C-T. GRCh37 (hg19) VCF-style: chr9-124094767-C-T.
Other names: c.2235C>T, p.Thr745= (NM_000177.5); c.2082C>T, p.Thr694= (NM_001127662.2, NM_001127664.2, NM_001127665.2 and 10 more transcripts); c.2190C>T, p.Thr730= (NM_001127663.2); c.2115C>T, p.Thr705= (NM_001127666.2, NM_001127667.2, NM_001353063.2 and 13 more transcripts); c.2133C>T, p.Thr711= (NM_001258029.2); c.2106C>T, p.Thr702= (NM_001258030.2); c.2154C>T, p.Thr718= (NM_001353076.2); c.1428C>T, p.Thr476= (NM_001353078.2); and 1 more.
Identifiers: ClinVar variation 1574386 (VCV001574386.10), dbSNP rs368986042, ClinGen allele CA5221539.

ClinVar aggregate classification (germline): Likely benign. Review status: criteria provided, multiple submitters, no conflicts (2 of 4 stars). 3 submissions from 3 submitters: Likely benign (3). Last evaluated 2025-12-01.

Conditions:
GSN-related disorder. Also called: GSN-related condition.
Finnish type amyloidosis. Also called: Lattice corneal dystrophy associated with familial systemic amyloidosis; Meretoja's syndrome; Lattice dystrophy of the cornea with hereditary generalized amyloidosis; Amyloidosis, familial, Finnish type; Meretoja type amyloidosis; Amyloidosis 5. Identifiers: Orphanet 85448, MedGen C1622345, MONDO:0007097, OMIM 105120.

Allele frequency attached by ClinVar (database versions not stated): gnomAD exomes 0.00004 and 0.00007; ExAC 0.00005; ESP Exome Variant Server 0.00008; TOPMed 0.00008; gnomAD 0.00011; 1000 Genomes Project 30x 0.00016; 1000 Genomes Project 0.00020.
gnomAD v4.1: 79 of 1,614,014 alleles (0.0049%); highest among the groups gnomAD compares: East Asian, 0.027%; no homozygotes.

Submissions (3):

PreventionGenetics, part of Exact Sciences
Classification: Likely benign for GSN-related condition. Last evaluated: 2025-12-01. Review status: criteria provided, single submitter. Criteria: ACMG Guidelines, 2015. Collection method: clinical testing. Allele origin: germline.
Comment: This variant is classified as likely benign based on ACMG/AMP sequence variant interpretation guidelines (Richards et al. 2015 PMID: 25741868, with internal and published modifications).

Labcorp Genetics (formerly Invitae), Labcorp
Classification: Likely benign. Last evaluated: 2025-10-01. Review status: criteria provided, single submitter. Criteria: Invitae Variant Classification Sherloc (09022015). Collection method: clinical testing. Allele origin: germline.

Fulgent Genetics
Classification: Likely benign for Finnish type amyloidosis. Last evaluated: 2021-07-06. Review status: criteria provided, single submitter. Criteria: ACMG Guidelines, 2015. Collection method: clinical testing. Allele origin: unknown.